The following is an entry in ClinVar:

NM_001199397.3(NEK1):c.715T>G (p.Phe239Val)

Gene: NEK1 (NIMA related kinase 1; minus strand). Cytogenetic location: 4q33.
Variant type: single nucleotide variant.
Coding change: c.715T>G on transcript NM_001199397.3 (MANE Select); coding-DNA position 715, T replaced by G.
Protein change: p.Phe239Val; replaces phenylalanine 239 with valine.
Molecular consequence: missense variant. On other transcripts: non-coding transcript variant (2).
Genome position (GRCh38, 1-based): chr4:169,585,441, A>C on the plus strand (T>G on the coding strand, the complement: NEK1 is on the minus strand). VCF-style: chr4-169585441-A-C. GRCh37 (hg19) VCF-style: chr4-170506592-A-C.
Other names: c.715T>G, p.Phe239Val (NM_001199398.3, NM_001199399.3, NM_001199400.3 and 7 more transcripts); short protein forms F239V.
Identifiers: ClinVar variation 1515808 (VCV001515808.6), dbSNP rs2150071108, ClinGen allele CA358738341.

ClinVar aggregate classification (germline): Uncertain significance (1 of 4 stars; one submission).

Conditions:
Short-rib thoracic dysplasia 6 with or without polydactyly (SRTD6). Also called: Majewski Syndrome; SHORT-RIB THORACIC DYSPLASIA 6 WITH POLYDACTYLY; SHORT-RIB THORACIC DYSPLASIA 6 WITHOUT POLYDACTYLY; POLYDACTYLY WITH NEONATAL CHONDRODYSTROPHY, TYPE II; SHORT RIB-POLYDACTYLY SYNDROME, TYPE IIA. Identifiers: MedGen C0024507, MONDO:0009894, OMIM 263520.

Submission:

Labcorp Genetics (formerly Invitae), Labcorp
Classification: Uncertain significance for Short-rib thoracic dysplasia 6 with or without polydactyly. Last evaluated: 2022-07-19. Review status: criteria provided, single submitter. Criteria: Invitae Variant Classification Sherloc (09022015). Collection method: clinical testing. Allele origin: germline.
Comment: This variant has not been reported in the literature in individuals affected with NEK1-related conditions. In summary, the available evidence is currently insufficient to determine the role of this variant in disease. Therefore, it has been classified as a Variant of Uncertain Significance. Algorithms developed to predict the effect of sequence changes on RNA splicing suggest that this variant may disrupt the consensus splice site. Algorithms developed to predict the effect of missense changes on protein structure and function (SIFT, PolyPhen-2, Align-GVGD) all suggest that this variant is likely to be disruptive. ClinVar contains an entry for this variant (Variation ID: 1515808). This variant is not present in population databases (gnomAD no frequency). This sequence change replaces phenylalanine, which is neutral and non-polar, with valine, which is neutral and non-polar, at codon 239 of the NEK1 protein (p.Phe239Val).